The following is an entry in ClinVar:

NM_000155.4(GALT):c.505C>A (p.Gln169Lys)

Gene: GALT (galactose-1-phosphate uridylyltransferase; plus strand). Cytogenetic location: 9p13.3.
Variant type: single nucleotide variant.
Coding change: c.505C>A on transcript NM_000155.4 (MANE Select); coding-DNA position 505, C replaced by A.
Protein change: p.Gln169Lys; replaces glutamine 169 with lysine.
Molecular consequence: missense variant.
Genome position (GRCh38, 1-based): chr9:34,647,959, C>A. VCF-style: chr9-34647959-C-A. GRCh37 (hg19) VCF-style: chr9-34647956-C-A.
Other names: c.178C>A, p.Gln60Lys (NM_001258332.2); c.505C>A (NM_000155.3); short protein forms Q60K.
Identifiers: ClinVar variation 2675831 (VCV002675831.2), dbSNP rs111033709, ClinGen allele CA259411.

ClinVar aggregate classification (germline): Pathogenic/Likely pathogenic. Review status: criteria provided, multiple submitters, no conflicts (2 of 4 stars). 2 submissions from 2 submitters: Pathogenic (1); Likely pathogenic (1). Last evaluated 2024-06-04.

Conditions:
Galactosemia. Also called: Galactose intolerance. Identifiers: Orphanet 352, MedGen C0016952, MONDO:0018116, HP:0004919. Disease mechanism: loss of function.
Deficiency of UDPglucose-hexose-1-phosphate uridylyltransferase. Also called: GALACTOSE-1-PHOSPHATE URIDYLYLTRANSFERASE DEFICIENCY; GALACTOSEMIA I; Transferase Deficiency Galactosemia; GALT deficiency; Galactosemia, classic. Identifiers: Orphanet 352, Orphanet 79239, MedGen C0268151, MONDO:0009258, OMIM 230400.

Submissions (2):

Natera, Inc.
Classification: Likely pathogenic for Galactosemia. Last evaluated: 2024-06-04. Review status: criteria provided, single submitter. Criteria: Natera Variant Classification Schema (03/2026). Collection method: clinical testing. Allele origin: germline.
Comment: The c.505C>A variant in GALT is a missense variant predicted to cause substitution of glutamine to lysine at amino acid 169. This variant is rare in the general population with a frequency below the threshold expected for the associated phenotype(s). This variant has been observed in one or more individuals affected with the associated recessive disease, as either homozygous or compound heterozygous with a second variant (PMID: 34030713, 20213376, 28374897). Computational prediction algorithms indicate this variant is likely to affect gene or protein function. Given the available evidence, this variant is classified as Likely Pathogenic.

Baylor Genetics
Classification: Pathogenic for Deficiency of UDPglucose-hexose-1-phosphate uridylyltransferase. Last evaluated: 2023-04-13. Review status: criteria provided, single submitter. Criteria: ACMG Guidelines, 2015. Collection method: clinical testing. Allele origin: unknown.

Literature cited by the submitters: PubMed 34030713 (cited by Natera, Inc.); PubMed 20213376 (cited by Natera, Inc.); PubMed 28374897 (cited by Natera, Inc.).